The following is an entry in ClinVar:

NM_001018115.3(FANCD2):c.3734C>T (p.Thr1245Met)

Genes: FANCD2OS (FANCD2 opposite strand; minus strand), FANCD2 (FA complementation group D2; plus strand). Cytogenetic location: 3p25.3.
Variant type: single nucleotide variant.
Coding change: c.3734C>T on transcript NM_001018115.3 (MANE Select); coding-DNA position 3734, C replaced by T.
Protein change: p.Thr1245Met; replaces threonine 1245 with methionine.
Molecular consequence: missense variant. On other transcripts: intron variant (1).
Genome position (GRCh38, 1-based): chr3:10,090,342, C>T. VCF-style: chr3-10090342-C-T. GRCh37 (hg19) VCF-style: chr3-10132026-C-T.
Other names: c.3734C>T, p.Thr1245Met (NM_001319984.2, NM_001374254.1, NM_033084.6); c.3623C>T, p.Thr1208Met (NM_001374253.1); c.*44-8811G>A (NM_173472.2); short protein forms T1245M, T1208M.
Identifiers: ClinVar variation 342376 (VCV000342376.13), dbSNP rs764775864, ClinGen allele CA2250494.

ClinVar aggregate classification (germline): Uncertain significance. Review status: criteria provided, multiple submitters, no conflicts (2 of 4 stars). 3 submissions from 3 submitters: Uncertain significance (3). Last evaluated 2022-08-22.

Conditions:
Fanconi anemia (FA). Also called: Fanconi's anemia. Identifiers: Orphanet 84, MedGen C0015625, MeSH D005199, MONDO:0019391.
Fanconi anemia complementation group D2. Also called: FANCD2-Related Fanconi Anemia; FANCONI PANCYTOPENIA, TYPE 4; FANCONI ANEMIA, COMPLEMENTATION GROUP D. Identifiers: Orphanet 84, MedGen C3160738, MONDO:0009214, OMIM 227646.

Allele frequency attached by ClinVar (database versions not stated): gnomAD exomes 0.00002 and 0.00004; gnomAD 0.00002; TOPMed 0.00003; ExAC 0.00003.
gnomAD v4.1: 38 of 1,609,702 alleles (0.0024%); highest among the groups gnomAD compares: East Asian, 0.0045%; no homozygotes.

Submissions (3):

Labcorp Genetics (formerly Invitae), Labcorp
Classification: Uncertain significance for Fanconi anemia. Last evaluated: 2022-08-22. Review status: criteria provided, single submitter. Criteria: Invitae Variant Classification Sherloc (09022015). Collection method: clinical testing. Allele origin: germline.
Comment: This sequence change replaces threonine, which is neutral and polar, with methionine, which is neutral and non-polar, at codon 1245 of the FANCD2 protein (p.Thr1245Met). This variant is present in population databases (rs764775864, gnomAD 0.08%). This variant has not been reported in the literature in individuals affected with FANCD2-related conditions. ClinVar contains an entry for this variant (Variation ID: 342376). Algorithms developed to predict the effect of missense changes on protein structure and function are either unavailable or do not agree on the potential impact of this missense change (SIFT: "Deleterious"; PolyPhen-2: "Probably Damaging"; Align-GVGD: "Class C0"). In summary, the available evidence is currently insufficient to determine the role of this variant in disease. Therefore, it has been classified as a Variant of Uncertain Significance.

Fulgent Genetics
Classification: Uncertain significance for Fanconi anemia complementation group D2. Last evaluated: 2021-10-07. Review status: criteria provided, single submitter. Criteria: ACMG Guidelines, 2015. Collection method: clinical testing. Allele origin: unknown.

Illumina Laboratory Services, Illumina
Classification: Uncertain significance for Fanconi anemia complementation group D2. Last evaluated: 2018-01-12. Review status: criteria provided, single submitter. Criteria: ICSL Variant Classification Criteria 13 December 2019. Collection method: clinical testing. Allele origin: germline.